The following is an entry in ClinVar:

NM_001165963.4(SCN1A):c.5342A>G (p.Tyr1781Cys)

Genes: SCN1A (sodium voltage-gated channel alpha subunit 1; minus strand), LOC102724058 (uncharacterized LOC102724058; plus strand). Cytogenetic location: 2q24.3.
Variant type: single nucleotide variant.
Coding change: c.5342A>G on transcript NM_001165963.4 (MANE Select); coding-DNA position 5342, A replaced by G.
Protein change: p.Tyr1781Cys; replaces tyrosine 1781 with cysteine.
Molecular consequence: missense variant. On other transcripts: non-coding transcript variant (1).
Genome position (GRCh38, 1-based): chr2:165,991,933, T>C on the plus strand (A>G on the coding strand, the complement: SCN1A is on the minus strand). VCF-style: chr2-165991933-T-C. GRCh37 (hg19) VCF-style: chr2-166848443-T-C.
Other names: c.5258A>G, p.Tyr1753Cys (NM_001165964.3, NM_001353957.2, NM_001353958.2); c.5342A>G, p.Tyr1781Cys (NM_001202435.3, NM_001353948.2); c.5309A>G, p.Tyr1770Cys (NM_001353949.2, NM_001353950.2, NM_001353951.2 and 2 more transcripts); c.5306A>G, p.Tyr1769Cys (NM_001353954.2, NM_001353955.2); c.5255A>G, p.Tyr1752Cys (NM_001353960.2); c.2900A>G, p.Tyr967Cys (NM_001353961.2); short protein forms Y1770C, Y1781C, Y1752C, Y1753C, Y1769C, Y967C.
Identifiers: ClinVar variation 68657 (VCV000068657.3), dbSNP rs121918779, ClinGen allele CA285228.

ClinVar aggregate classification (germline): Pathogenic. Review status: criteria provided, single submitter (1 of 4 stars). 2 submissions from 2 submitters: Pathogenic (1). 1 of the submissions does not count toward it. Last evaluated 2024-05-23.

Conditions:
Early-infantile DEE. Also called: Early infantile epileptic encephalopathy; Early infantile epileptic encephalopathy with suppression bursts; Ohtahara syndrome. Identifiers: Orphanet 1934, MedGen C0393706, MONDO:0800491.
Severe myoclonic epilepsy in infancy (DRVT). Also called: SEVERE MYOCLONIC EPILEPSY OF INFANCY; DEVELOPMENTAL AND EPILEPTIC ENCEPHALOPATHY 6A; Severe Myoclonic Epilepsy in Infancy (SMEI); Dravet syndrome; Epileptic encephalopathy, early infantile, 6 (Dravet syndrome). Identifiers: Orphanet 33069, MedGen C0751122, MONDO:0100135, OMIM 607208.

Submissions (2):

Labcorp Genetics (formerly Invitae), Labcorp
Classification: Pathogenic for Early-infantile DEE. Last evaluated: 2024-05-23. Review status: criteria provided, single submitter. Criteria: Invitae Variant Classification Sherloc (09022015). Collection method: clinical testing. Allele origin: germline.
Comment: This sequence change replaces tyrosine, which is neutral and polar, with cysteine, which is neutral and slightly polar, at codon 1781 of the SCN1A protein (p.Tyr1781Cys). This variant is not present in population databases (gnomAD no frequency). This missense change has been observed in individual(s) with Dravet syndrome and/or intractable epilepsy (PMID: 14738421, 23195492). ClinVar contains an entry for this variant (Variation ID: 68657). Advanced modeling of protein sequence and biophysical properties (such as structural, functional, and spatial information, amino acid conservation, physicochemical variation, residue mobility, and thermodynamic stability) performed at Invitae indicates that this missense variant is expected to disrupt SCN1A protein function with a positive predictive value of 95%. This variant disrupts the p.Tyr1781 amino acid residue in SCN1A. Other variant(s) that disrupt this residue have been determined to be pathogenic (PMID: 18930999; Invitae). This suggests that this residue is clinically significant, and that variants that disrupt this residue are likely to be disease-causing. For these reasons, this variant has been classified as Pathogenic.

UniProtKB/Swiss-Prot
No classification provided. Condition: Severe myoclonic epilepsy in infancy. Review status: no classification provided. Collection method: not provided. Allele origin: not provided. Not counted in ClinVar's aggregate classification.
Comment: Variants reported as p.Tyr1771Cys in PubMed 14738421

Literature cited by the submitters: PubMed 14738421 (cited by Labcorp Genetics (formerly Invitae), Labcorp); PubMed 23195492 (cited by Labcorp Genetics (formerly Invitae), Labcorp); PubMed 18930999 (cited by Labcorp Genetics (formerly Invitae), Labcorp).